The following is an entry in ClinVar:

ClinVar aggregate classification (germline): Pathogenic/Likely pathogenic. Review status: criteria provided, multiple submitters, no conflicts (2 of 4 stars). 2 submissions from 2 submitters: Pathogenic (1); Likely pathogenic (1). Last evaluated 2025-03-25.

Conditions:
Alport syndrome. Also called: Hemorrhagic familial nephritis; Hemorrhagic hereditary nephritis; Congenital hereditary hematuria. Identifiers: Orphanet 63, MedGen C1567741, MONDO:0018965.
Autosomal dominant Alport syndrome (ATS3A). Also called: Alport syndrome dominant type; Renal failure and sensorineural hearing loss; ALPORT SYNDROME 3A, AUTOSOMAL DOMINANT. Identifiers: Orphanet 63, Orphanet 88918, MedGen C5882663, MONDO:0007086, OMIM 104200.

Submissions (2):

Victorian Clinical Genetics Services, Murdoch Childrens Research Institute
Classification: Pathogenic for Alport syndrome. Last evaluated: 2025-03-25. Review status: criteria provided, single submitter. Criteria: ACMG Guidelines, 2015. Collection method: clinical testing. Allele origin: germline.
Comment: This variant is classified as Pathogenic. Evidence in support of pathogenic classification: Variant is absent from gnomAD (v2, v3 and v4); This variant has limited previous evidence of pathogenicity an unrelated individual(s). This variant has been classified as likely pathogenic by a clinical laboratory (ClinVar); Another missense variant comparable to the one identified in this case has limited previous evidence for pathogenicity. p.(Gly467Glu) has been classified as likely pathogenic by a clinical laboratory (ClinVar); Variant is located in the well-established functional Gly-X-Y motif in the collagen triple helical domain (DECIPHER); Missense variant predicted to be damaging by in silico tool(s) or highly conserved with a major amino acid change; Additional information: Variant is predicted to result in a missense amino acid change from glycine to arginine; This variant is heterozygous; This gene is associated with both recessive and dominant Alport syndrome (MONDO:0018965), COL4A3-related; No published segregation evidence has been identified for this variant; No published functional evidence has been identified for this variant; Dominant negative and loss of function are known mechanisms of disease in this gene and are associated with Alport syndrome (MONDO:0018965), COL4A3-related. Glycine changes that are part of a G-X-Y repeat in the triple helix of a collagen domain are known to have a dominant negative effect (PMID: 12028435).

MVZ Medizinische Genetik Mainz
Classification: Likely pathogenic for Autosomal dominant Alport syndrome. Last evaluated: 2022-06-24. Review status: criteria provided, single submitter. Criteria: UK Practice Guidelines For Variant Classification V4 01 2020. Collection method: clinical testing. Allele origin: germline. Inheritance: Autosomal dominant inheritance. Affected: yes. Observed: 1 variant allele.
Comment: ACMG Criteria: PM1_STR, PM2_SUP, PP3, PP4

Literature cited by the submitters: PubMed 12028435 (cited by Victorian Clinical Genetics Services, Murdoch Childrens Research Institute).

NM_000091.5(COL4A3):c.1399G>A (p.Gly467Arg)

Genes: MFF-DT (MFF divergent transcript; minus strand), COL4A3 (collagen type IV alpha 3 chain; plus strand). Cytogenetic location: 2q36.3.
Variant type: single nucleotide variant.
Coding change: c.1399G>A on transcript NM_000091.5 (MANE Select); coding-DNA position 1399, G replaced by A.
Protein change: p.Gly467Arg; replaces glycine 467 with arginine.
Molecular consequence: missense variant.
Genome position (GRCh38, 1-based): chr2:227,266,500, G>A. VCF-style: chr2-227266500-G-A. GRCh37 (hg19) VCF-style: chr2-228131216-G-A.
Other names: short protein forms G467R.
Identifiers: ClinVar variation 3236813 (VCV003236813.3), dbSNP rs201088233.